The following is an entry in ClinVar:

ClinVar aggregate classification (germline): Uncertain significance (1 of 4 stars; one submission).

Conditions:
Arrhythmogenic right ventricular dysplasia 10. Also called: Arrhythmogenic Right Ventricular Dysplasia/Cardiomyopathy10; Arrhythmogenic right ventricular dysplasia/cardiomyopathy, type 10; ARRHYTHMOGENIC RIGHT VENTRICULAR DYSPLASIA, FAMILIAL, 10. Identifiers: MedGen C1857777, MONDO:0012434, OMIM 610193.

Submission:

Labcorp Genetics (formerly Invitae), Labcorp
Classification: Uncertain significance for Arrhythmogenic right ventricular dysplasia 10. Last evaluated: 2022-04-08. Review status: criteria provided, single submitter. Criteria: Invitae Variant Classification Sherloc (09022015). Collection method: clinical testing. Allele origin: germline.
Comment: In summary, the available evidence is currently insufficient to determine the role of this variant in disease. Therefore, it has been classified as a Variant of Uncertain Significance. Algorithms developed to predict the effect of missense changes on protein structure and function are either unavailable or do not agree on the potential impact of this missense change (SIFT: "Deleterious"; PolyPhen-2: "Probably Damaging"; Align-GVGD: "Class C0"). This variant has not been reported in the literature in individuals affected with DSG2-related conditions. This variant is not present in population databases (gnomAD no frequency). This sequence change replaces alanine, which is neutral and non-polar, with threonine, which is neutral and polar, at codon 471 of the DSG2 protein (p.Ala471Thr).

NM_001943.5(DSG2):c.1411G>A (p.Ala471Thr)

Gene: DSG2 (desmoglein 2; plus strand). Cytogenetic location: 18q12.1.
Variant type: single nucleotide variant.
Coding change: c.1411G>A on transcript NM_001943.5 (MANE Select); coding-DNA position 1411, G replaced by A.
Protein change: p.Ala471Thr; replaces alanine 471 with threonine.
Molecular consequence: missense variant.
Genome position (GRCh38, 1-based): chr18:31,535,400, G>A. VCF-style: chr18-31535400-G-A. GRCh37 (hg19) VCF-style: chr18-29115363-G-A.
Other names: short protein forms A471T.
Identifiers: ClinVar variation 2123145 (VCV002123145.4), dbSNP rs2510917370, ClinGen allele CA402140556.